The following is an entry in ClinVar:

ClinVar aggregate classification (germline): Likely benign. Review status: criteria provided, multiple submitters, no conflicts (2 of 4 stars). 2 submissions from 2 submitters: Likely benign (2). Last evaluated 2025-01-06.

Conditions:
IPO8-related disorder. Also called: IPO8-related condition.

Allele frequency attached by ClinVar (database versions not stated): gnomAD 0.00005; TOPMed 0.00005.
gnomAD v4.1: 81 of 1,612,798 alleles (0.005%); highest among the groups gnomAD compares: Non-Finnish European, 0.0064%; no homozygotes.

Submissions (3):

PreventionGenetics, part of Exact Sciences
Classification: Likely benign for IPO8-related condition. Last evaluated: 2025-01-06. Review status: criteria provided, single submitter. Criteria: ACMG Guidelines, 2015. Collection method: clinical testing. Allele origin: germline.
Comment: This variant is classified as likely benign based on ACMG/AMP sequence variant interpretation guidelines (Richards et al. 2015 PMID: 25741868, with internal and published modifications).

CeGaT Center for Human Genetics Tuebingen
Classification: Likely benign. Last evaluated: 2023-03-01. Review status: criteria provided, single submitter. Criteria: CeGaT Center For Human Genetics Tuebingen Variant Classification Criteria Version 2. Collection method: clinical testing. Allele origin: germline. Affected: yes. Observed: 1 variant allele.
Comment: IPO8: BP4, BP7

Dr. Peter K. Rogan Lab, Western University
No classification provided (evidence only). Condition: Gastric cancer. Review status: no classification provided. Collection method: in vitro. Allele origin: not applicable. Functional consequence: retained intron. Not counted in ClinVar's aggregate classification.

NM_006390.4(IPO8):c.2952C>T (p.Ser984=)

Gene: IPO8 (importin 8; minus strand). Cytogenetic location: 12p11.21.
Variant type: single nucleotide variant.
Coding change: c.2952C>T on transcript NM_006390.4 (MANE Select); coding-DNA position 2952, C replaced by T.
Protein change: p.Ser984=; no amino-acid change (serine 984 retained).
Molecular consequence: synonymous variant.
Genome position (GRCh38, 1-based): chr12:30,631,959, G>A on the plus strand (C>T on the coding strand, the complement: IPO8 is on the minus strand). VCF-style: chr12-30631959-G-A. GRCh37 (hg19) VCF-style: chr12-30784893-G-A.
Other names: NC_000012.11:g.30784893G>A; c.2337C>T, p.Ser779= (NM_001190995.2); c.2952C>T (NM_006390.3).
Identifiers: ClinVar variation 2498551 (VCV002498551.30), dbSNP rs746079753, ClinGen allele CA6498520.